The following is an entry in ClinVar:

ClinVar aggregate classification (germline): Benign/Likely benign. Review status: criteria provided, multiple submitters, no conflicts (2 of 4 stars). 5 submissions from 5 submitters: Benign (1); Likely benign (4). Last evaluated 2026-07-15.

Conditions:
Rhabdoid tumor predisposition syndrome 2 (RTPS2). Identifiers: Orphanet 231108, Orphanet 69077, MedGen C2750074, MONDO:0013224, OMIM 613325.
Hereditary cancer-predisposing syndrome. Also called: Tumor predisposition; Neoplastic Syndromes, Hereditary; Hereditary Cancer Syndrome; Hereditary neoplastic syndrome. Identifiers: Orphanet 140162, MedGen C0027672, MeSH D009386, MONDO:0015356.
Intellectual disability, autosomal dominant 16 (CSS4). Also called: COFFIN-SIRIS SYNDROME 4. Identifiers: Orphanet 1465, MedGen C3553249, MONDO:0013821, OMIM 614609.

Allele frequency attached by ClinVar (database versions not stated): gnomAD exomes 0.00003 and 0.00002; ExAC 0.00001; TOPMed 0.00002; gnomAD 0.00003; ESP Exome Variant Server 0.00008.
gnomAD v4.1: 48 of 1,612,352 alleles (0.003%); highest among the groups gnomAD compares: Non-Finnish European, 0.0032%; no homozygotes.

Submissions (5):

Myriad Genetics, Inc.
Classification: Benign for Rhabdoid tumor predisposition syndrome 2. Last evaluated: 2026-07-15. Review status: criteria provided, single submitter. Criteria: Myriad Autosomal Dominant, Autosomal Recessive and X-Linked Classification Criteria (2023). Collection method: clinical testing. Allele origin: unknown.
Comment: This variant is considered benign. This variant is intronic and is not expected to impact mRNA splicing. This variant has been observed at a population frequency that is significantly greater than expected given the associated disease prevalence and penetrance.

Labcorp Genetics (formerly Invitae), Labcorp
Classification: Likely benign for Rhabdoid tumor predisposition syndrome 2. Last evaluated: 2025-12-24. Review status: criteria provided, single submitter. Criteria: Invitae Variant Classification Sherloc (09022015). Collection method: clinical testing. Allele origin: germline.

Genome-Nilou Lab
Classification: Likely benign for Intellectual disability, autosomal dominant 16. Last evaluated: 2021-07-15. Review status: criteria provided, single submitter. Criteria: ACMG Guidelines, 2015. Collection method: clinical testing. Allele origin: germline. Affected: no.

Sema4
Classification: Likely benign for Hereditary cancer-predisposing syndrome. Last evaluated: 2021-06-23. Review status: criteria provided, single submitter. Criteria: Sema4 Curation Guidelines. Collection method: curation. Allele origin: germline.

Ambry Genetics
Classification: Likely benign for Hereditary cancer-predisposing syndrome. Last evaluated: 2020-02-06. Review status: criteria provided, single submitter. Criteria: Ambry Variant Classification Scheme 2023. Collection method: clinical testing. Allele origin: germline.

NM_003072.5(SMARCA4):c.3874-3T>C

Gene: SMARCA4 (SWI/SNF related BAF chromatin remodeling complex subunit ATPase 4; plus strand). Cytogenetic location: 19p13.2.
Variant type: single nucleotide variant.
Coding change: c.3874-3T>C on transcript NM_003072.5 (MANE Select); 3 bases into the intron before coding-DNA position 3874, T replaced by C.
Molecular consequence: intron variant.
Genome position (GRCh38, 1-based): chr19:11,034,120, T>C. VCF-style: chr19-11034120-T-C. GRCh37 (hg19) VCF-style: chr19-11144796-T-C.
Other names: c.3874-3T>C (NM_001128844.3, NM_001128849.3, NM_001387283.1); c.3775-3T>C (NM_001128847.4, NM_001374457.1, NM_001128845.2 and 2 more transcripts).
Identifiers: ClinVar variation 470371 (VCV000470371.18), dbSNP rs370679578, ClinGen allele CA9204555.